The following is an entry in ClinVar:

NC_012920.1(MT-CO1):m.6258G>A

Gene: MT-CO1 (mitochondrially encoded cytochrome c oxidase I; plus strand).
Variant type: single nucleotide variant.
Genome position: chrM-6258-G-A.
Identifiers: ClinVar variation 692632 (VCV000692632.1), dbSNP rs1603220372, ClinGen allele CA414782794.

ClinVar aggregate classification (germline): Uncertain significance (1 of 4 stars; one submission).

Conditions:
Leigh syndrome (NULS). Also called: Leigh's necrotizing encephalopathy; Leigh's disease; Leigh Syndrome (mtDNA deletion); Leigh Disease; Subacute necrotizing encephalopathy; Necrotizing encephalopathy infantile subacute of Leigh. Identifiers: Orphanet 506, MedGen C2931891, MONDO:0009723, OMIM 256000.

Submission:

Wong Mito Lab, Molecular and Human Genetics, Baylor College of Medicine
Classification: Uncertain significance for Leigh syndrome. Last evaluated: 2019-10-17. Review status: criteria provided, single submitter. Criteria: Modified ACMG Guidelines (Unpublished). Collection method: clinical testing. Allele origin: germline.
Comment: The NC_012920.1:m.6258G>A (YP_003024028.1:p.Glu119Lys) variant in MTCO1 gene is interpretated to be a Uncertain Significance variant based on the modified ACMG guidelines (unpublished). This variant meets the following evidence codes: PP3, PP7